The following is an entry in ClinVar:

ClinVar aggregate classification (germline): Uncertain significance (1 of 4 stars; one submission).

Conditions:
Nephronophthisis. Also called: Juvenile Nephronophthisis. Identifiers: Orphanet 655, MedGen C0687120, MONDO:0019005, HP:0000090.

Allele frequency attached by ClinVar (database versions not stated): TOPMed below 0.00001.

Submission:

Labcorp Genetics (formerly Invitae), Labcorp
Classification: Uncertain significance for Nephronophthisis. Last evaluated: 2023-11-06. Review status: criteria provided, single submitter. Criteria: Invitae Variant Classification Sherloc (09022015). Collection method: clinical testing. Allele origin: germline.
Comment: This sequence change replaces serine, which is neutral and polar, with phenylalanine, which is neutral and non-polar, at codon 1069 of the NPHP4 protein (p.Ser1069Phe). This variant is not present in population databases (gnomAD no frequency). This variant has not been reported in the literature in individuals affected with NPHP4-related conditions. ClinVar contains an entry for this variant (Variation ID: 1713935). Advanced modeling of protein sequence and biophysical properties (such as structural, functional, and spatial information, amino acid conservation, physicochemical variation, residue mobility, and thermodynamic stability) has been performed at Invitae for this missense variant, however the output from this modeling did not meet the statistical confidence thresholds required to predict the impact of this variant on NPHP4 protein function. In summary, the available evidence is currently insufficient to determine the role of this variant in disease. Therefore, it has been classified as a Variant of Uncertain Significance.

NM_015102.5(NPHP4):c.3206C>T (p.Ser1069Phe)

Gene: NPHP4 (nephrocystin 4; minus strand). Cytogenetic location: 1p36.31.
Variant type: single nucleotide variant.
Coding change: c.3206C>T on transcript NM_015102.5 (MANE Select); coding-DNA position 3206, C replaced by T.
Protein change: p.Ser1069Phe; replaces serine 1069 with phenylalanine.
Molecular consequence: missense variant. On other transcripts: non-coding transcript variant (1).
Genome position (GRCh38, 1-based): chr1:5,874,496, G>A on the plus strand (C>T on the coding strand, the complement: NPHP4 is on the minus strand). VCF-style: chr1-5874496-G-A. GRCh37 (hg19) VCF-style: chr1-5934556-G-A.
Other names: c.1667C>T, p.Ser556Phe (NM_001291593.2); c.1670C>T, p.Ser557Phe (NM_001291594.2); short protein forms S1069F, S556F, S557F.
Identifiers: ClinVar variation 1713935 (VCV001713935.5), dbSNP rs1642350224, ClinGen allele CA338055496.
Genomic context (GRCh38, chr1:5,874,496, plus strand): 5'-CAAATGCAACTTCCCTGTGTGCCTGACACCCGCACCTGCACCATGGCCAGCTGCCCTGCA[G>A]AGAAGCTCTGGAACTTGAAGGGGACGTGGGCGGTCTCGTGGGGGCGCAGGTAGAGCTGGG-3'
Protein context (NP_055917.1, residues 1059-1079): AHVPFKFQSF[Ser1069Phe]AGQLAMVQAS